The following is an entry in ClinVar:

NM_199355.4(ADAMTS18):c.68C>A (p.Ala23Glu)

Gene: ADAMTS18 (ADAM metallopeptidase with thrombospondin type 1 motif 18; minus strand). Cytogenetic location: 16q23.1.
Variant type: single nucleotide variant.
Coding change: c.68C>A on transcript NM_199355.4 (MANE Select); coding-DNA position 68, C replaced by A.
Protein change: p.Ala23Glu; replaces alanine 23 with glutamic acid.
Molecular consequence: missense variant. On other transcripts: 5 prime UTR variant (1).
Genome position (GRCh38, 1-based): chr16:77,434,628, G>T on the plus strand (C>A on the coding strand, the complement: ADAMTS18 is on the minus strand). VCF-style: chr16-77434628-G-T. GRCh37 (hg19) VCF-style: chr16-77468525-G-T.
Other names: c.-453C>A (NM_001326358.2); short protein forms A23E.
Identifiers: ClinVar variation 1368483 (VCV001368483.6), dbSNP rs1401694800, ClinGen allele CA396851896.

ClinVar aggregate classification (germline): Uncertain significance (1 of 4 stars; one submission).

Allele frequency attached by ClinVar (database versions not stated): TOPMed below 0.00001.
gnomAD v4.1: 30 of 1,491,710 alleles (0.002%); highest among the groups gnomAD compares: Non-Finnish European, 0.0027%; no homozygotes.

Submission:

Labcorp Genetics (formerly Invitae), Labcorp
Classification: Uncertain significance. Last evaluated: 2022-07-06. Review status: criteria provided, single submitter. Criteria: Invitae Variant Classification Sherloc (09022015). Collection method: clinical testing. Allele origin: germline.
Comment: This sequence change replaces alanine with glutamic acid at codon 23 of the ADAMTS18 protein (p.Ala23Glu). The alanine residue is weakly conserved and there is a moderate physicochemical difference between alanine and glutamic acid. This variant is not present in population databases (gnomAD no frequency). This variant has not been reported in the literature in individuals affected with ADAMTS18-related conditions. ClinVar contains an entry for this variant (Variation ID: 1368483). Algorithms developed to predict the effect of missense changes on protein structure and function are either unavailable or do not agree on the potential impact of this missense change (SIFT: "Not Available"; PolyPhen-2: "Benign"; Align-GVGD: "Not Available"). In summary, the available evidence is currently insufficient to determine the role of this variant in disease. Therefore, it has been classified as a Variant of Uncertain Significance.